The following is an entry in ClinVar:

NM_004553.6(NDUFS6):c.274_275del (p.Gly92fs)

Gene: NDUFS6 (NADH:ubiquinone oxidoreductase subunit S6; plus strand). Cytogenetic location: 5p15.33.
Variant type: Deletion.
Coding change: c.274_275del on transcript NM_004553.6 (MANE Select); coding-DNA positions 274 to 275, 2 bases deleted (GG; older notation c.274_275delGG).
Protein change: p.Gly92fs; shifts the reading frame from glycine 92.
Molecular consequence: frameshift variant.
Genome position (GRCh38, 1-based): chr5:1,814,426-1,814,427, GG deleted; deleting any 2 consecutive bases within chr5:1,814,423-1,814,427 gives the same sequence; the c. name uses the placement nearest the transcript's 3' end. VCF-style (leftmost placement, unchanged base first): chr5-1814422-CGG-C. GRCh37 (hg19) VCF-style: chr5-1814536-CGG-C.
Other names: short protein forms G92fs.
Identifiers: ClinVar variation 2843781 (VCV002843781.3), dbSNP rs2477240519, ClinGen allele CA2739274529.

ClinVar aggregate classification (germline): Pathogenic (1 of 4 stars; one submission).

Submission:

Labcorp Genetics (formerly Invitae), Labcorp
Classification: Pathogenic. Last evaluated: 2023-03-08. Review status: criteria provided, single submitter. Criteria: Invitae Variant Classification Sherloc (09022015). Collection method: clinical testing. Allele origin: germline.
Comment: This variant has not been reported in the literature in individuals affected with NDUFS6-related conditions. This sequence change results in a frameshift in the NDUFS6 gene (p.Gly92Serfs*46). While this is not anticipated to result in nonsense mediated decay, it is expected to disrupt the last 33 amino acid(s) of the NDUFS6 protein and extend the protein by 12 additional amino acid residues. This variant is not present in population databases (gnomAD no frequency). This variant disrupts a region of the NDUFS6 protein in which other variant(s) (p.Cys115Arg) have been determined to be pathogenic (PMID: 28429146, 30948790, 31967322). This suggests that this is a clinically significant region of the protein, and that variants that disrupt it are likely to be disease-causing. For these reasons, this variant has been classified as Pathogenic.

Literature cited by the submitters: PubMed 28429146; PubMed 30948790; PubMed 31967322.